The following is an entry in ClinVar:

ClinVar aggregate classification (germline): Likely benign. Review status: reviewed by expert panel (3 of 4 stars). 7 submissions from 7 submitters: Likely benign (1). 6 of the submissions do not count toward it. Last evaluated 2024-09-18.

Conditions:
Inborn genetic diseases. Identifiers: MedGen C0950123, MeSH D030342.
Hereditary thrombocytopenia and hematologic cancer predisposition syndrome. Identifiers: Orphanet 71290, MedGen CN281654, MONDO:0011071.
Hereditary cancer-predisposing syndrome. Also called: Hereditary Cancer Syndrome; Tumor predisposition; Neoplastic Syndromes, Hereditary; Hereditary neoplastic syndrome. Identifiers: Orphanet 140162, MedGen C0027672, MeSH D009386, MONDO:0015356.
Hereditary thrombocytopenia and hematological cancer predisposition syndrome associated with RUNX1. Also called: Familial Platelet Disorder with Propensity to Acute Myelogenous Leukemia; Familial thrombocytopenia with propensity to acute myelogenous leukemia; PLATELET DISORDER, ASPIRIN-LIKE; RUNX1 Familial Platelet Disorder with Associated Myeloid Malignancies. Identifiers: Orphanet 71290, MedGen C1832388, MeSH C563324, MONDO:0100083, OMIM 601399.

Allele frequency attached by ClinVar (database versions not stated): TOPMed 0.00006; gnomAD exomes 0.00007 and 0.00012; gnomAD 0.00009 and 0.00010; ExAC 0.00010.
gnomAD v4.1: 119 of 1,611,208 alleles (0.0074%); highest among the groups gnomAD compares: Non-Finnish European, 0.0067%; 1 homozygote.

Submissions (7):

ClinGen Myeloid Malignancy Variant Curation Expert Panel
Classification: Likely benign for Hereditary thrombocytopenia and hematologic cancer predisposition syndrome. Last evaluated: 2024-09-18. Review status: reviewed by expert panel. Criteria: ClinGen MyeloMalig ACMG Specifications v2. Collection method: curation. Allele origin: germline. Inheritance: Autosomal dominant inheritance.
Comment: NM_001754.5(RUNX1):c.668A>G (p.Glu223Gly) is a missense variant predicted to cause the substitution of glutamic acid by glycine at amino acid 223 (p.E223G). The highest population minor allele frequency in gnomAD v2 is 0.0001146 (13/113452 alleles) in the non-Finnish European population (PM2_Supporting, BS1, and BA1 are not met). This variant has also been observed in gnomAD v3/v4 in one homozygous individual of Finnish descent, and there are no known reports of affected patients with homozygous RUNX1 variants, plus RUNX1-null mice do not survive (BP2). However, the variant's presence in the general population (gnomAD) precludes the application of PS4 at any strength level. The computational predictor REVEL gives a score of 0.799, which is neither above nor below the thresholds predicting a damaging or benign impact on RUNX1 function. However, in vitro functional data indicate that the mutant protein exhibits normal transcriptional activity in a luciferase reporter assay using U937 cells (~105-115% of WT activity, Fig. 4), normal DNA-binding and β-subunit interaction in an EMSA assay using Cos7 cells (Fig. 2), appropriate nuclear localization in NIH3T3 cells, and normal ubiquitination (Fig. 5) (PMID: 23817177) (BS3). In summary, this variant meets the criteria to be classified as likely benign for autosomal dominant hereditary thrombocytopenia and hematologic cancer predisposition syndrome based on the ACMG/AMP criteria applied, as specified by the ClinGen Myeloid Malignancy VCEP: BP2 and BS3.

Labcorp Genetics (formerly Invitae), Labcorp
Classification: Likely benign for Hereditary thrombocytopenia and hematological cancer predisposition syndrome associated with RUNX1. Last evaluated: 2025-10-25. Review status: criteria provided, single submitter. Criteria: Invitae Variant Classification Sherloc (09022015). Collection method: clinical testing. Allele origin: germline. Not counted in ClinVar's aggregate classification.

Ambry Genetics
Classification: Uncertain significance for Inborn genetic diseases. Last evaluated: 2024-08-23. Review status: criteria provided, single submitter. Criteria: Ambry Variant Classification Scheme 2023. Collection method: clinical testing. Allele origin: germline. Not counted in ClinVar's aggregate classification.
Comment: The p.E223G variant (also known as c.668A>G), located in coding exon 6 of the RUNX1 gene, results from an A to G substitution at nucleotide position 668. The glutamic acid at codon 223 is replaced by glycine, an amino acid with similar properties. This variant has been reported in several individuals with pediatric acute lymphocytic leukemia (Zhang J et al. N Engl J Med, 2015 Dec;373:2336-2346; Li Y et al. J Clin Invest, 2021 Jun;131:; Junk SV et al. Haematologica, 2019 Sep;104:e402-e405). This amino acid position is highly conserved in available vertebrate species. In addition, this alteration is predicted to be deleterious by in silico analysis. Based on the available evidence, the clinical significance of this variant remains unclear.

GeneDx
Classification: Uncertain significance. Last evaluated: 2024-04-22. Review status: criteria provided, single submitter. Criteria: GeneDx Variant Classification Process June 2021. Collection method: clinical testing. Allele origin: germline. Affected: yes. Not counted in ClinVar's aggregate classification.
Comment: In silico analysis supports that this missense variant has a deleterious effect on protein structure/function; This variant is associated with the following publications: (PMID: 26580448, Nitschke2022[poster], Nitschke2023[article], 31289210, 34166225)

CeGaT Center for Human Genetics Tuebingen
Classification: Likely benign. Last evaluated: 2022-10-01. Review status: criteria provided, single submitter. Criteria: CeGaT Center For Human Genetics Tuebingen Variant Classification Criteria Version 2. Collection method: clinical testing. Allele origin: germline. Affected: yes. Observed: 1 variant allele. Not counted in ClinVar's aggregate classification.
Comment: RUNX1: PP3, BS1

Institute for Clinical Genetics, University Hospital TU Dresden, University Hospital TU Dresden
Classification: Uncertain significance. Last evaluated: 2021-11-03. Review status: criteria provided, single submitter. Criteria: ACMG Guidelines, 2015. Collection method: clinical testing. Allele origin: germline. Not counted in ClinVar's aggregate classification.

Sema4
Classification: Uncertain significance for Hereditary cancer-predisposing syndrome. Last evaluated: 2021-09-24. Review status: criteria provided, single submitter. Criteria: Sema4 Curation Guidelines. Collection method: curation. Allele origin: germline. Not counted in ClinVar's aggregate classification.
Comment: The RUNX1 c.668A>G (p.E223G) variant has been reported in individuals with acute lymphoblastic leukemia (PMID: 26580448, 34166225, 31289210). It was observed in 18/21436 chromosomes of the Finnish subpopulation in the large and broad cohorts of the Genome Aggregation Database (PMID: 32461654). The variant has been reported in ClinVar (Variation ID 532663). In silico tools suggest the impact of the variant on protein function is deleterious though these predictions have not been confirmed by functional studies. The evidence is insufficient to meet ACMG/AMP criteria for classifying the variant as benign or pathogenic. Thus, the clinical significance of this variant is currently uncertain.

Literature cited by the submitters: PubMed 23817177 (cited by ClinGen Myeloid Malignancy Variant Curation Expert Panel); PubMed 26580448 (cited by Ambry Genetics and Sema4); PubMed 31289210 (cited by Ambry Genetics and Sema4); PubMed 34166225 (cited by Ambry Genetics and Sema4).

NM_001754.5(RUNX1):c.668A>G (p.Glu223Gly)

Gene: RUNX1 (RUNX family transcription factor 1; minus strand). Cytogenetic location: 21q22.12.
Variant type: single nucleotide variant.
Coding change: c.668A>G on transcript NM_001754.5 (MANE Select); coding-DNA position 668, A replaced by G.
Protein change: p.Glu223Gly; replaces glutamic acid 223 with glycine.
Molecular consequence: missense variant.
Genome position (GRCh38, 1-based): chr21:34,834,547, T>C on the plus strand (A>G on the coding strand, the complement: RUNX1 is on the minus strand). VCF-style: chr21-34834547-T-C. GRCh37 (hg19) VCF-style: chr21-36206844-T-C.
Other names: NM_001754.5(RUNX1):c.668A>G; p.Glu223Gly; c.587A>G (NM_001001890.2); c.587A>G, p.Glu196Gly (NM_001001890.3, NM_001122607.2); short protein forms E223G, E196G.
Identifiers: ClinVar variation 532663 (VCV000532663.47), dbSNP rs780999703, ClinGen allele CA10014381.